The following is an entry in ClinVar:

NM_004525.3(LRP2):c.2640-1G>A

Gene: LRP2 (LDL receptor related protein 2; minus strand). Cytogenetic location: 2q31.1.
Variant type: single nucleotide variant.
Coding change: c.2640-1G>A on transcript NM_004525.3 (MANE Select); the canonical splice acceptor site of the intron before coding-DNA position 2640, G replaced by A.
Molecular consequence: splice acceptor variant.
Genome position (GRCh38, 1-based): chr2:169,256,237, C>T on the plus strand (G>A on the coding strand, the complement: LRP2 is on the minus strand). VCF-style: chr2-169256237-C-T. GRCh37 (hg19) VCF-style: chr2-170112747-C-T.
Other names: IVS18AS, G-A, -1.
Identifiers: ClinVar variation 9452 (VCV000009452.6), dbSNP rs587776717, ClinGen allele CA340911.

ClinVar aggregate classification (germline): Pathogenic/Likely pathogenic. Review status: criteria provided, multiple submitters, no conflicts (2 of 4 stars). 4 submissions from 4 submitters: Pathogenic (1); Likely pathogenic (1). 2 of the submissions do not count toward it. Last evaluated 2026-04-20.

Conditions:
Donnai-Barrow syndrome. Also called: DBS/FOAR SYNDROME; FACIOOCULOACOUSTICORENAL SYNDROME. Identifiers: Orphanet 2143, MedGen C1857277, MONDO:0009104, OMIM 222448.

Allele frequency attached by ClinVar (database versions not stated): TOPMed below 0.00001.

Submissions (4):

Myriad Genetics, Inc.
Classification: Likely pathogenic for Donnai-Barrow syndrome. Last evaluated: 2026-04-20. Review status: criteria provided, single submitter. Criteria: Myriad Autosomal Dominant, Autosomal Recessive and X-Linked Classification Criteria (2023). Collection method: clinical testing. Allele origin: unknown.
Comment: NM_004525.2(LRP2):c.2640-1G>A is a variant in a canonical splice site classified as likely pathogenic in the context of Donnai-Barrow syndrome. c.2640-1G>A has not been observed in cases with relevant disease. Relevant functional assessments of this variant are not available in the literature. c.2640-1G>A has not been observed in referenced population frequency databases. In summary, NM_004525.2(LRP2):c.2640-1G>A is a variant in a canonical splice site in a gene where loss of function is a known mechanism of disease and is predicted to disrupt protein function. Please note: this variant was assessed in the context of healthy population screening.

Fulgent Genetics
Classification: Pathogenic for Donnai-Barrow syndrome. Last evaluated: 2024-01-08. Review status: criteria provided, single submitter. Criteria: ACMG Guidelines, 2015. Collection method: clinical testing. Allele origin: germline.

OMIM
Classification: Pathogenic for DONNAI-BARROW SYNDROME. Last evaluated: 2007-08-01. Review status: no assertion criteria provided. Collection method: literature only. Allele origin: germline. Not counted in ClinVar's aggregate classification.

GeneReviews
No classification provided. Condition: Donnai-Barrow syndrome. Review status: no classification provided. Collection method: literature only. Allele origin: unknown. Not counted in ClinVar's aggregate classification.

Literature cited by the submitters: PubMed 12923867 (cited by OMIM and GeneReviews); PubMed 17632512 (cited by OMIM and GeneReviews); PubMed 20301732 (cited by GeneReviews); NCBI Bookshelf NBK1878 (cited by GeneReviews).